The following is an entry in ClinVar:

NM_002900.3(RBP3):c.1795A>G (p.Ile599Val)

Gene: RBP3 (retinol binding protein 3; plus strand). Cytogenetic location: 10q11.22.
Variant type: single nucleotide variant.
Coding change: c.1795A>G on transcript NM_002900.3 (MANE Select); coding-DNA position 1795, A replaced by G.
Protein change: p.Ile599Val; replaces isoleucine 599 with valine.
Molecular consequence: missense variant.
Genome position (GRCh38, 1-based): chr10:47,350,279, A>G. VCF-style: chr10-47350279-A-G. GRCh37 (hg19) VCF-style: chr10-48389083-T-C.
Other names: short protein forms I599V.
Identifiers: ClinVar variation 208310 (VCV000208310.53), dbSNP rs144289912, ClinGen allele CA350922.

ClinVar aggregate classification (germline): Conflicting classifications of pathogenicity. Review status: criteria provided, conflicting classifications (1 of 4 stars). 11 submissions from 11 submitters: Uncertain significance (4); Likely benign (2). 5 of the submissions do not count toward it. Last evaluated 2026-01-19.

Conditions:
Retinitis pigmentosa 66 (RP66). Identifiers: Orphanet 791, MedGen C3715216, MONDO:0014093, OMIM 615233.
Retinal dystrophy. Also called: Inherited retinal dystrophy. Identifiers: Orphanet 71862, MedGen C0854723, MeSH D058499, MONDO:0019118, HP:0000556.
Retinitis pigmentosa (RP). Identifiers: Orphanet 791, MedGen C0035334, MeSH D012174, MONDO:0019200, OMIM 268000. Inheritance: Autosomal dominant, autosomal recessive and X linked inheritance.
RBP3-related disorder. Also called: RBP3-related condition.

Allele frequency attached by ClinVar (database versions not stated): 1000 Genomes Project 30x 0.00047; 1000 Genomes Project 0.00060; ESP Exome Variant Server 0.00085; ExAC 0.00113; gnomAD exomes 0.00114 and 0.00131; TOPMed 0.00118; gnomAD 0.00121 and 0.00126.
gnomAD v4.1: 2,088 of 1,608,520 alleles (0.13%); highest among the groups gnomAD compares: Middle Eastern, 0.2%; 5 homozygotes.

Submissions (11):

Labcorp Genetics (formerly Invitae), Labcorp
Classification: Likely benign. Last evaluated: 2026-01-19. Review status: criteria provided, single submitter. Criteria: Invitae Variant Classification Sherloc (09022015). Collection method: clinical testing. Allele origin: germline.

Blueprint Genetics
Classification: Likely benign. Last evaluated: 2024-11-07. Review status: criteria provided, single submitter. Criteria: ACMG Guidelines, 2015. Collection method: clinical testing. Allele origin: germline.

CeGaT Center for Human Genetics Tuebingen
Classification: Uncertain significance. Last evaluated: 2022-10-01. Review status: criteria provided, single submitter. Criteria: CeGaT Center For Human Genetics Tuebingen Variant Classification Criteria Version 2. Collection method: clinical testing. Allele origin: germline. Affected: yes. Observed: 1 variant allele.
Comment: RBP3: PP4

Department of Pathology and Laboratory Medicine, Sinai Health System
Classification: Uncertain significance for Retinitis pigmentosa; Retinitis pigmentosa 66. Last evaluated: 2021-07-30. Review status: criteria provided, single submitter. Criteria: ACMG Guidelines, 2015. Collection method: research. Allele origin: germline.

Illumina Laboratory Services, Illumina
Classification: Uncertain significance for Retinitis pigmentosa. Last evaluated: 2017-07-27. Review status: criteria provided, single submitter. Criteria: ICSL Variant Classification Criteria 13 December 2019. Collection method: clinical testing. Allele origin: germline.
Comment: This variant was observed as part of a predisposition screen in an ostensibly healthy population. A literature search was performed for the gene, cDNA change, and amino acid change (where applicable). Publications were found based on this search. However, the evidence from the literature, in combination with allele frequency data from public databases where available, was not sufficient to rule this variant in or out of causing disease. Therefore, this variant is classified as a variant of unknown significance.

Eurofins Ntd Llc (ga)
Classification: Uncertain significance. Last evaluated: 2016-06-04. Review status: criteria provided, single submitter. Criteria: EGL Classification Definitions 2015. Collection method: clinical testing. Allele origin: germline. Observed: 1 variant allele, 1 heterozygote.

PreventionGenetics, part of Exact Sciences
Classification: Likely benign for RBP3-related condition. Last evaluated: 2023-11-10. Review status: no assertion criteria provided. Collection method: clinical testing. Allele origin: germline. Not counted in ClinVar's aggregate classification.
Comment: This variant is classified as likely benign based on ACMG/AMP sequence variant interpretation guidelines (Richards et al. 2015 PMID: 25741868, with internal and published modifications).

Institute of Human Genetics, Univ. Regensburg, Univ. Regensburg
Classification: Uncertain significance for Retinal dystrophy. Last evaluated: 2023-01-01. Review status: no assertion criteria provided. Criteria: ACMG Guidelines, 2015. Collection method: clinical testing. Allele origin: germline. Affected: yes. Not counted in ClinVar's aggregate classification.

ClinVar Staff, National Center for Biotechnology Information (NCBI)
Classification: Uncertain significance for Retinitis pigmentosa 66. Last evaluated: 2013-06-27. Review status: no assertion criteria provided. Collection method: literature only. Allele origin: germline. Affected: yes. Not counted in ClinVar's aggregate classification.

Clinical Genetics DNA and cytogenetics Diagnostics Lab, Erasmus MC, Erasmus Medical Center
Classification: Uncertain significance. Review status: no assertion criteria provided. Collection method: clinical testing. Allele origin: germline. Affected: yes. Study: VKGL Data-share Consensus. Not counted in ClinVar's aggregate classification.

Joint Genome Diagnostic Labs from Nijmegen and Maastricht, Radboudumc and MUMC+
Classification: Uncertain significance. Review status: no assertion criteria provided. Collection method: clinical testing. Allele origin: germline. Affected: yes. Study: VKGL Data-share Consensus. Not counted in ClinVar's aggregate classification.

Literature cited by the submitters: PubMed 19074801 (cited by 3 submitters).